The following is an entry in ClinVar:

ClinVar aggregate classification (germline): Likely pathogenic (1 of 4 stars; one submission).

Conditions:
Congenital myopathy 28 with rigid spine. Identifiers: MedGen C6065935, MONDO:0980756, OMIM 621433.

Submission:

Institute for Genomic Medicine, Nationwide Children's Hospital
Classification: Likely pathogenic for Congenital myopathy 28 with rigid spine. Last evaluated: 2026-08-13. Review status: criteria provided, single submitter. Criteria: ACMG Guidelines, 2015. Collection method: research. Allele origin: maternal. Inheritance: Autosomal recessive inheritance. Affected: yes. Observed: 1 variant allele, 1 compound heterozygote.
Comment: It is absent from the gnomAD (v4.1), All of Us (v6), and RGC-ME (v1.1.3) databases, making it extremely rare. This variant disrupts the splice acceptor site for exon 3, which is first CDS exon. SpliceAI predicts that this causes loss of canonical splice acceptor and activation of an alternate splice acceptor site 39 bp downstream. RNA-seq data from patient muscle tissue confirms this splicing pattern, which removes 28 coding bases (including the start codon) and shifts the reading frame. We interpret this variant as Likely Pathogenic.

Literature cited by the submitters: PubMed 39531736.

NM_001098272.3(HMGCS1):c.-10-1G>A

Gene: HMGCS1 (3-hydroxy-3-methylglutaryl-CoA synthase 1; minus strand). Cytogenetic location: 5p12.
Variant type: single nucleotide variant.
Coding change: c.-10-1G>A on transcript NM_001098272.3 (MANE Select); the canonical splice acceptor site of the intron before 10 bases upstream of the start codon, G replaced by A.
Molecular consequence: splice acceptor variant.
Genome position (GRCh38, 1-based): chr5:43,298,976, C>T on the plus strand (G>A on the coding strand, the complement: HMGCS1 is on the minus strand). VCF-style: chr5-43298976-C-T. GRCh37 (hg19) VCF-style: chr5-43299078-C-T.
Other names: c.-10-1G>A (NM_001324223.2, NM_002130.8, NM_001324222.2 and 5 more transcripts).
Identifiers: ClinVar variation 4884604 (VCV004884604.1).